The following is an entry in ClinVar:

ClinVar aggregate classification (germline): Likely pathogenic (1 of 4 stars; one submission).

Conditions:
Marfan syndrome (MFS). Also called: MARFAN SYNDROME, TYPE I; Marfan syndrome type 1; Marfan's syndrome; Marfan syndrome, classic; FBN1-Related Marfan Syndrome. Identifiers: Orphanet 284963, Orphanet 558, MedGen C0024796, MONDO:0007947, OMIM 154700.

Submission:

Regional Center For Medical Genetics Timis, Louis Turcanu Emergency Hospital for Children Timisoara
Classification: Likely pathogenic for Marfan syndrome. Last evaluated: 2024-05-24. Review status: criteria provided, single submitter. Criteria: ACMG Guidelines, 2015. Collection method: research. Allele origin: germline. Affected: yes.
Comment: The variant is absent from healthy population databases (gnomAD v4.1.0 genomes and exomes). In silico predictions support the pathogenicity of the variant (REVEL score = 0.93 > 0.75). The substituted Cys residue is located in the Hyb1 domain and is considered of moderate importance for the mechanism of disease. Multiple P/LP variants are reported in the literature in association with this amino acid residue. The patient's phenotype is specific for Marfan syndrome. The variant was classified therefore as likely pathogenic, according to ACMG 2015 guidelines.

NM_000138.5(FBN1):c.671G>T (p.Cys224Phe)

Gene: FBN1 (fibrillin 1; minus strand). Cytogenetic location: 15q21.1.
Variant type: single nucleotide variant.
Coding change: c.671G>T on transcript NM_000138.5 (MANE Select); coding-DNA position 671, G replaced by T.
Protein change: p.Cys224Phe; replaces cysteine 224 with phenylalanine.
Molecular consequence: missense variant.
Genome position (GRCh38, 1-based): chr15:48,537,676, C>A on the plus strand (G>T on the coding strand, the complement: FBN1 is on the minus strand). VCF-style: chr15-48537676-C-A. GRCh37 (hg19) VCF-style: chr15-48829873-C-A.
Other names: c.671G>T, p.Cys224Phe (NM_001406716.1, NM_001406717.1); short protein forms C224F.
Identifiers: ClinVar variation 3242462 (VCV003242462.2), dbSNP rs1566922396.